The following is an entry in ClinVar:

NM_000642.3(AGL):c.536T>C (p.Leu179Ser)

Gene: AGL (amylo-alpha-1,6-glucosidase and 4-alpha-glucanotransferase; plus strand). Cytogenetic location: 1p21.2.
Variant type: single nucleotide variant.
Coding change: c.536T>C on transcript NM_000642.3 (MANE Select); coding-DNA position 536, T replaced by C.
Protein change: p.Leu179Ser; replaces leucine 179 with serine.
Molecular consequence: missense variant. On other transcripts: intron variant (2).
Genome position (GRCh38, 1-based): chr1:99,864,461, T>C. VCF-style: chr1-99864461-T-C. GRCh37 (hg19) VCF-style: chr1-100330017-T-C.
Other names: c.536T>C, p.Leu179Ser (NM_000028.3, NM_000643.3, NM_000644.3 and 3 more transcripts); c.488T>C, p.Leu163Ser (NM_000646.3); c.158T>C, p.Leu53Ser (NM_001425332.1); c.460+2038T>C (NM_001425328.1, NM_001425329.1); short protein forms L53S, L163S, L179S.
Identifiers: ClinVar variation 4775739 (VCV004775739.1).

ClinVar aggregate classification (germline): Uncertain significance (1 of 4 stars; one submission).

Conditions:
Glycogen storage disease type III (GSD3). Also called: FORBES DISEASE; Cori disease. Identifiers: Orphanet 366, MedGen C0017922, MONDO:0009291, OMIM 232400.

gnomAD v4.1: 3 of 1,613,782 alleles (0.00019%); highest among the groups gnomAD compares: Non-Finnish European, 0.00025%; no homozygotes.

Submission:

Labcorp Genetics (formerly Invitae), Labcorp
Classification: Uncertain significance for Glycogen storage disease type III. Last evaluated: 2025-11-10. Review status: criteria provided, single submitter. Criteria: Invitae Variant Classification Sherloc (09022015). Collection method: clinical testing. Allele origin: germline.
Comment: This sequence change replaces leucine, which is neutral and non-polar, with serine, which is neutral and polar, at codon 179 of the AGL protein (p.Leu179Ser). This variant is present in population databases (rs778728216, gnomAD 0.0009%). This variant has not been reported in the literature in individuals affected with AGL-related conditions. Invitae Evidence Modeling of protein sequence and biophysical properties (such as structural, functional, and spatial information, amino acid conservation, physicochemical variation, residue mobility, and thermodynamic stability) indicates that this missense variant is expected to disrupt AGL protein function with a positive predictive value of 80%. In summary, the available evidence is currently insufficient to determine the role of this variant in disease. Therefore, it has been classified as a Variant of Uncertain Significance.